The following is an entry in ClinVar:

ClinVar aggregate classification (germline): Uncertain significance (1 of 4 stars; one submission).

Allele frequency attached by ClinVar (database versions not stated): gnomAD exomes below 0.00001.
gnomAD v4.1: 1 of 1,614,202 alleles (0.000062%); highest among the groups gnomAD compares: Non-Finnish European, 0.000085%; no homozygotes.

Submission:

GeneDx
Classification: Uncertain significance. Last evaluated: 2020-09-28. Review status: criteria provided, single submitter. Criteria: GeneDx Variant Classification Process June 2021. Collection method: clinical testing. Allele origin: germline. Affected: yes.
Comment: Has not been previously published as pathogenic or benign to our knowledge; Not observed in large population cohorts (Lek et al., 2016); In silico analysis, which includes protein predictors and evolutionary conservation, supports that this variant does not alter protein structure/function

NM_017755.6(NSUN2):c.1657A>G (p.Thr553Ala)

Gene: NSUN2 (NOP2/Sun RNA methyltransferase 2; minus strand). Cytogenetic location: 5p15.31.
Variant type: single nucleotide variant.
Coding change: c.1657A>G on transcript NM_017755.6 (MANE Select); coding-DNA position 1657, A replaced by G.
Protein change: p.Thr553Ala; replaces threonine 553 with alanine.
Molecular consequence: missense variant. On other transcripts: non-coding transcript variant (1).
Genome position (GRCh38, 1-based): chr5:6,605,353, T>C on the plus strand (A>G on the coding strand, the complement: NSUN2 is on the minus strand). VCF-style: chr5-6605353-T-C. GRCh37 (hg19) VCF-style: chr5-6605466-T-C.
Other names: c.1552A>G, p.Thr518Ala (NM_001193455.2); short protein forms T518A, T553A.
Identifiers: ClinVar variation 1310859 (VCV001310859.2), dbSNP rs2126472650, ClinGen allele CA359116010.